The following is an entry in ClinVar:

NM_138927.4(SON):c.3990_3992del (p.Leu1330_Val1331delinsPhe)

Gene: SON (SON DNA and RNA binding protein; plus strand). Cytogenetic location: 21q22.11.
Variant type: Deletion.
Coding change: c.3990_3992del on transcript NM_138927.4 (MANE Select); coding-DNA positions 3990 to 3992, 3 bases deleted (GGT; older notation c.3990_3992delGGT).
Protein change: p.Leu1330_Val1331delinsPhe.
Molecular consequence: inframe indel. On other transcripts: non-coding transcript variant (1), intron variant (1).
Genome position (GRCh38, 1-based): chr21:33,553,221-33,553,223, GGT deleted; deleting any 3 consecutive bases within chr21:33,553,220-33,553,223 gives the same sequence; the c. name uses the placement nearest the transcript's 3' end. VCF-style (leftmost placement, unchanged base first): chr21-33553219-TTGG-T. GRCh37 (hg19) VCF-style: chr21-34925525-TTGG-T.
Other names: c.3989_3991del (NM_138927.4); c.3990_3992del, p.Leu1330_Val1331delinsPhe (NM_001291411.2, NM_032195.3); c.3990_3992delGGT, p.Leu1330_Val1331delinsPhe (NM_001412133.1, NM_058183.2, NM_138926.1); c.245-3935_245-3933del (NM_001291412.3).
Identifiers: ClinVar variation 3236606 (VCV003236606.1), dbSNP rs2517377018, ClinGen allele CA2825002849.
Genomic context (GRCh38, chr21:33,553,219, plus strand): 5'-GAAACATTTGATTCCATGAGAGCCTCAGGACATGTTGCCTCAGAAGTATCTACATCCTTG[TTGG>T]TTCCAGCAGTAACTACTCCAGTGCTGGCAGAGAGCATTCTGGAGCCGCCAGCCATGGCTG-3'

ClinVar aggregate classification (germline): Uncertain significance (1 of 4 stars; one submission).

Conditions:
ZTTK syndrome (ZTTKS). Also called: Zhu-Tokita-Takenouchi-Kim Syndrome; ZTTK MULTIPLE CONGENITAL ANOMALIES-MENTAL RETARDATION SYNDROME. Identifiers: Orphanet 500150, MedGen C4310696, MONDO:0014936, OMIM 617140.

Submission:

Clinical Genomics Laboratory, Washington University in St. Louis
Classification: Uncertain significance for ZTTK syndrome. Last evaluated: 2023-11-06. Review status: criteria provided, single submitter. Criteria: ACMG Guidelines, 2015. Collection method: clinical testing. Allele origin: germline.
Comment: The SON c.3989_3991del (p.Leu1330del) variant, to our knowledge, has not been reported in the medical literature and is only observed on 3/251,372 alleles in the general population (gnomAD v.2.1.1), indicating it is not a common variant. This variant is predicted to cause a change in the length of the protein due to an in-frame deletion of one amino acid in a region without known function. ZTTK syndrome is primarily known to arise from loss-of-function variants (Dingemans AJM et al., PMID: 34521999). Due to limited information, and based on ACMG/AMP guidelines for variant interpretation (Richards S et al., PMID: 25741868), the clinical significance of this variant is uncertain at this time.